The following is an entry in ClinVar:

NM_001364905.1(LRBA):c.6424C>T (p.Leu2142=)

Gene: LRBA (LPS responsive beige-like anchor protein; minus strand). Cytogenetic location: 4q31.3.
Variant type: single nucleotide variant.
Coding change: c.6424C>T on transcript NM_001364905.1 (MANE Select); coding-DNA position 6424, C replaced by T.
Protein change: p.Leu2142=; no amino-acid change (leucine 2142 retained).
Molecular consequence: synonymous variant.
Genome position (GRCh38, 1-based): chr4:150,490,942, G>A on the plus strand (C>T on the coding strand, the complement: LRBA is on the minus strand). VCF-style: chr4-150490942-G-A. GRCh37 (hg19) VCF-style: chr4-151412094-G-A.
Other names: c.6424C>T, p.Leu2142= (NM_001199282.3, NM_001367550.1); c.6457C>T, p.Leu2153= (NM_006726.5).
Identifiers: ClinVar variation 618202 (VCV000618202.17), dbSNP rs1438925105, ClinGen allele CA441870797.

ClinVar aggregate classification (germline): Likely benign. Review status: criteria provided, multiple submitters, no conflicts (2 of 4 stars). 2 submissions from 2 submitters: Likely benign (2). Last evaluated 2022-08-09.

Conditions:
Combined immunodeficiency due to LRBA deficiency. Also called: Common variable immunodeficiency 8, with autoimmunity. Identifiers: Orphanet 445018, MedGen C3553512, MONDO:0013863, OMIM 614700.

Submissions (2):

Labcorp Genetics (formerly Invitae), Labcorp
Classification: Likely benign for Combined immunodeficiency due to LRBA deficiency. Last evaluated: 2022-08-09. Review status: criteria provided, single submitter. Criteria: Invitae Variant Classification Sherloc (09022015). Collection method: clinical testing. Allele origin: germline.

ARUP Laboratories, Molecular Genetics and Genomics, ARUP Laboratories
Classification: Likely benign. Last evaluated: 2017-10-31. Review status: criteria provided, single submitter. Criteria: ARUP Molecular Germline Variant Investigation Process. Collection method: clinical testing. Allele origin: germline.
Comment: The c.6457C>T variant does not alter the amino acid sequence of the LRBA protein and computational splice site prediction algorithms do not predict a change in the nearest splice site or creation of a cryptic splice site. This variant has not been reported in association with primary antibody deficiency in medical literature or in gene specific variation databases. It is absent from general population databases such as 1000 Genomes, NHLBI GO Exome Sequencing Project (ESP), and the genome Aggregation Database (gnomAD) browser. Based on these observations, the c.6457C>T variant is likely to be benign.